The following is an entry in ClinVar:

ClinVar aggregate classification (germline): Uncertain significance (1 of 4 stars; one submission).

Allele frequency attached by ClinVar (database versions not stated): gnomAD exomes below 0.00001.

Submission:

GeneDx
Classification: Uncertain significance. Last evaluated: 2019-09-03. Review status: criteria provided, single submitter. Criteria: GeneDx Variant Classification Process June 2021. Collection method: clinical testing. Allele origin: germline. Affected: yes.
Comment: Not observed at a significant frequency in large population cohorts (Lek et al., 2016); In silico analysis, which includes protein predictors and evolutionary conservation, supports that this variant does not alter protein structure/function; Has not been previously published as pathogenic or benign to our knowledge

NM_000587.4(C7):c.2236C>T (p.His746Tyr)

Gene: C7 (complement C7; plus strand). Cytogenetic location: 5p13.1.
Variant type: single nucleotide variant.
Coding change: c.2236C>T on transcript NM_000587.4 (MANE Select); coding-DNA position 2236, C replaced by T.
Protein change: p.His746Tyr; replaces histidine 746 with tyrosine.
Molecular consequence: missense variant.
Genome position (GRCh38, 1-based): chr5:40,979,795, C>T. VCF-style: chr5-40979795-C-T. GRCh37 (hg19) VCF-style: chr5-40979897-C-T.
Other names: short protein forms H746Y.
Identifiers: ClinVar variation 1308120 (VCV001308120.2), dbSNP rs1187217591, ClinGen allele CA359595056.